The following is an entry in ClinVar:

ClinVar aggregate classification (germline): Likely benign. Review status: criteria provided, multiple submitters, no conflicts (2 of 4 stars). 4 submissions from 4 submitters: Likely benign (3). 1 of the submissions does not count toward it. Last evaluated 2026-08-01.

Conditions:
Frontometaphyseal dysplasia (FMD1). Identifiers: Orphanet 1826, MedGen C0265293, MONDO:0015942.
Melnick-Needles syndrome (MNS). Also called: Melnick-Needles Syndrome (FLNA-MNS); MELNICK-NEEDLES OSTEODYSPLASTY; OSTEODYSPLASTY OF MELNICK AND NEEDLES. Identifiers: Orphanet 2484, MedGen C0025237, MONDO:0010650, OMIM 309350.
Oto-palato-digital syndrome, type II (OPD2). Also called: Otopalatodigital Syndrome Type 2 (FLNA-OPD2); FACIOPALATOOSSEOUS SYNDROME; OPD II SYNDROME; Otopalatodigital Syndrome, Type II. Identifiers: Orphanet 669, Orphanet 90652, MedGen C1844696, MONDO:0010571, OMIM 304120.
Heterotopia, periventricular, X-linked dominant (PVNH1). Also called: PERIVENTRICULAR NODULAR HETEROTOPIA 4; HETEROTOPIA, PERIVENTRICULAR, 1; X-linked periventricular heterotopia; PERIVENTRICULAR NODULAR HETEROTOPIA 1. Identifiers: Orphanet 2149, Orphanet 82004, MedGen C1848213, MONDO:0010233, OMIM 300049.
FLNA-related disorder.
Familial thoracic aortic aneurysm and aortic dissection (TAAD). Also called: Thoracic aortic aneurysms and dissections. Identifiers: Orphanet 91387, MedGen C4707243, MONDO:0019625.

Allele frequency attached by ClinVar (database versions not stated): ExAC 0.00001; gnomAD exomes 0.00001 and 0.00003; TOPMed 0.00001.
gnomAD v4.1: 12 of 1,210,856 alleles (0.00099%); highest among the groups gnomAD compares: Admixed American, 0.0022%; no homozygotes.

Submissions (4):

CeGaT Center for Human Genetics Tuebingen
Classification: Likely benign. Last evaluated: 2026-08-01. Review status: criteria provided, single submitter. Criteria: CeGaT Center For Human Genetics Tuebingen Variant Classification Criteria Version 2. Collection method: clinical testing. Allele origin: germline. Affected: yes. Observed: 1 variant allele.
Comment: FLNA: BP4, BP7

Labcorp Genetics (formerly Invitae), Labcorp
Classification: Likely benign for Oto-palato-digital syndrome, type II; Heterotopia, periventricular, X-linked dominant; Frontometaphyseal dysplasia; Melnick-Needles syndrome. Last evaluated: 2025-11-21. Review status: criteria provided, single submitter. Criteria: Invitae Variant Classification Sherloc (09022015). Collection method: clinical testing. Allele origin: germline.

Ambry Genetics
Classification: Likely benign for Familial thoracic aortic aneurysm and aortic dissection. Last evaluated: 2025-03-23. Review status: criteria provided, single submitter. Criteria: Ambry Variant Classification Scheme 2023. Collection method: clinical testing. Allele origin: germline.

PreventionGenetics, part of Exact Sciences
Classification: Likely benign for FLNA-related condition. Last evaluated: 2019-12-06. Review status: no assertion criteria provided. Collection method: clinical testing. Allele origin: germline. Not counted in ClinVar's aggregate classification.
Comment: This variant is classified as likely benign based on ACMG/AMP sequence variant interpretation guidelines (Richards et al. 2015 PMID: 25741868, with internal and published modifications).

NM_001110556.2(FLNA):c.333C>T (p.Leu111=)

Gene: FLNA (filamin A; minus strand). Cytogenetic location: Xq28.
Variant type: single nucleotide variant.
Coding change: c.333C>T on transcript NM_001110556.2 (MANE Select); coding-DNA position 333, C replaced by T.
Protein change: p.Leu111=; no amino-acid change (leucine 111 retained).
Molecular consequence: synonymous variant.
Genome position (GRCh38, 1-based): chrX:154,370,913, G>A on the plus strand (C>T on the coding strand, the complement: FLNA is on the minus strand). VCF-style: chrX-154370913-G-A. GRCh37 (hg19) VCF-style: chrX-153599281-G-A.
Other names: c.333C>T, p.Leu111= (NM_001456.4); c.333C>T (NM_001110556.1).
Identifiers: ClinVar variation 533589 (VCV000533589.15), dbSNP rs782684723, ClinGen allele CA10561448.